The following is an entry in ClinVar:

ClinVar aggregate classification (germline): Uncertain significance (1 of 4 stars; one submission).

Conditions:
Hereditary cancer-predisposing syndrome. Also called: Neoplastic Syndromes, Hereditary; Tumor predisposition; Hereditary neoplastic syndrome; Hereditary Cancer Syndrome. Identifiers: Orphanet 140162, MedGen C0027672, MeSH D009386, MONDO:0015356.

Allele frequency attached by ClinVar (database versions not stated): gnomAD exomes below 0.00001; TOPMed below 0.00001.
gnomAD v4.1: 1 of 1,611,406 alleles (0.000062%); highest among the groups gnomAD compares: Non-Finnish European, 0.000085%; no homozygotes.

Submission:

Ambry Genetics
Classification: Uncertain significance for Hereditary cancer-predisposing syndrome. Last evaluated: 2026-02-10. Review status: criteria provided, single submitter. Criteria: Ambry Variant Classification Scheme 2023. Collection method: clinical testing. Allele origin: germline.
Comment: The c.3439-3C>T intronic variant results from a C to T substitution 3 nucleotides upstream from coding exon 6 in the MSH6 gene. This nucleotide position is highly conserved in available vertebrate species. In silico splice site analysis predicts that this alteration will not have any significant effect on splicing. Based on the available evidence, the clinical significance of this variant remains unclear.

NM_000179.3(MSH6):c.3439-3C>T

Gene: MSH6 (mutS homolog 6; plus strand). Cytogenetic location: 2p16.3.
Variant type: single nucleotide variant.
Coding change: c.3439-3C>T on transcript NM_000179.3 (MANE Select); 3 bases into the intron before coding-DNA position 3439, C replaced by T.
Molecular consequence: intron variant.
Genome position (GRCh38, 1-based): chr2:47,804,907, C>T. VCF-style: chr2-47804907-C-T. GRCh37 (hg19) VCF-style: chr2-48032046-C-T.
Other names: c.2533-3C>T (NM_001281493.2, NM_001281494.2); c.3049-3C>T (NM_001281492.2).
Identifiers: ClinVar variation 428431 (VCV000428431.6), dbSNP rs1114167792, ClinGen allele CA346759873.